The following is an entry in ClinVar:

ClinVar aggregate classification (germline): Uncertain significance (1 of 4 stars; one submission).

Allele frequency attached by ClinVar (database versions not stated): TOPMed 0.00001; gnomAD exomes 0.00002; ExAC 0.00003; gnomAD 0.00005.
gnomAD v4.1: 26 of 1,614,074 alleles (0.0016%); highest among the groups gnomAD compares: South Asian, 0.0099%; no homozygotes.

Submission:

Labcorp Genetics (formerly Invitae), Labcorp
Classification: Uncertain significance. Last evaluated: 2024-04-03. Review status: criteria provided, single submitter. Criteria: Invitae Variant Classification Sherloc (09022015). Collection method: clinical testing. Allele origin: germline.
Comment: This sequence change replaces arginine, which is basic and polar, with histidine, which is basic and polar, at codon 248 of the DDRGK1 protein (p.Arg248His). This variant is present in population databases (rs770146758, gnomAD 0.01%). This variant has not been reported in the literature in individuals affected with DDRGK1-related conditions. ClinVar contains an entry for this variant (Variation ID: 1445175). An algorithm developed to predict the effect of missense changes on protein structure and function (PolyPhen-2) suggests that this variant is likely to be disruptive. In summary, the available evidence is currently insufficient to determine the role of this variant in disease. Therefore, it has been classified as a Variant of Uncertain Significance.

NM_023935.3(DDRGK1):c.743G>A (p.Arg248His)

Gene: DDRGK1 (DDRGK domain containing 1; minus strand). Cytogenetic location: 20p13.
Variant type: single nucleotide variant.
Coding change: c.743G>A on transcript NM_023935.3 (MANE Select); coding-DNA position 743, G replaced by A.
Protein change: p.Arg248His; replaces arginine 248 with histidine.
Molecular consequence: missense variant.
Genome position (GRCh38, 1-based): chr20:3,191,225, C>T on the plus strand (G>A on the coding strand, the complement: DDRGK1 is on the minus strand). VCF-style: chr20-3191225-C-T. GRCh37 (hg19) VCF-style: chr20-3171871-C-T.
Other names: short protein forms R248H.
Identifiers: ClinVar variation 1445175 (VCV001445175.7), dbSNP rs770146758, ClinGen allele CA9740766.